The following is an entry in ClinVar:

ClinVar aggregate classification (germline): Uncertain significance. Review status: criteria provided, multiple submitters, no conflicts (2 of 4 stars). 3 submissions from 3 submitters: Uncertain significance (3). Last evaluated 2025-09-10.

Conditions:
Developmental and epileptic encephalopathy, 48 (DEE48). Also called: Epileptic encephalopathy, early infantile, 48. Identifiers: MedGen C4310637, MONDO:0015000, OMIM 617276.

Allele frequency attached by ClinVar (database versions not stated): gnomAD 0.00001; ESP Exome Variant Server 0.00008; TOPMed 0.00001; gnomAD exomes 0.00002; ExAC 0.00003.
gnomAD v4.1: 24 of 1,612,714 alleles (0.0015%); highest among the groups gnomAD compares: Non-Finnish European, 0.0018%; no homozygotes.

Submissions (3):

Genomic Medicine Center of Excellence, King Faisal Specialist Hospital and Research Centre
Classification: Uncertain significance for Developmental and epileptic encephalopathy, 48. Last evaluated: 2025-09-10. Review status: criteria provided, single submitter. Criteria: ACMG Guidelines, 2015. Collection method: clinical testing. Allele origin: germline.

GeneDx
Classification: Uncertain significance. Last evaluated: 2022-07-08. Review status: criteria provided, single submitter. Criteria: GeneDx Variant Classification Process June 2021. Collection method: clinical testing. Allele origin: germline. Affected: yes.
Comment: In silico analysis supports that this missense variant has a deleterious effect on protein structure/function; Has not been previously published as pathogenic or benign to our knowledge; In-silico analysis is inconclusive as to whether the variant alters gene splicing. In the absence of RNA/functional studies, the actual effect of this sequence change is unknown.

Labcorp Genetics (formerly Invitae), Labcorp
Classification: Uncertain significance. Last evaluated: 2022-04-04. Review status: criteria provided, single submitter. Criteria: Invitae Variant Classification Sherloc (09022015). Collection method: clinical testing. Allele origin: germline.
Comment: This sequence change replaces arginine, which is basic and polar, with cysteine, which is neutral and slightly polar, at codon 99 of the AP3B2 protein (p.Arg99Cys). This variant is present in population databases (rs373196064, gnomAD 0.005%). This variant has not been reported in the literature in individuals affected with AP3B2-related conditions. Algorithms developed to predict the effect of missense changes on protein structure and function are either unavailable or do not agree on the potential impact of this missense change (SIFT: "Deleterious"; PolyPhen-2: "Benign"; Align-GVGD: "Class C0"). In summary, the available evidence is currently insufficient to determine the role of this variant in disease. Therefore, it has been classified as a Variant of Uncertain Significance.

NM_001278512.2(AP3B2):c.295C>T (p.Arg99Cys)

Genes: AP3B2 (adaptor related protein complex 3 subunit beta 2; minus strand), CPEB1-AS1 (CPEB1 antisense RNA 1; plus strand). Cytogenetic location: 15q25.2.
Variant type: single nucleotide variant.
Coding change: c.295C>T on transcript NM_001278512.2 (MANE Select); coding-DNA position 295, C replaced by T.
Protein change: p.Arg99Cys; replaces arginine 99 with cysteine.
Molecular consequence: missense variant. On other transcripts: intron variant (1).
Genome position (GRCh38, 1-based): chr15:82,688,801, G>A on the plus strand (C>T on the coding strand, the complement: AP3B2 is on the minus strand). VCF-style: chr15-82688801-G-A. GRCh37 (hg19) VCF-style: chr15-83357553-G-A.
Other names: c.295C>T, p.Arg99Cys (NM_001348440.2, NM_004644.5); c.264+357C>T (NM_001278511.2); short protein forms R99C.
Identifiers: ClinVar variation 1696933 (VCV001696933.4), dbSNP rs373196064, ClinGen allele CA7700535.